The following is an entry in ClinVar:

NM_005359.6(SMAD4):c.1012A>G (p.Thr338Ala)

Gene: SMAD4 (SMAD family member 4; plus strand). Cytogenetic location: 18q21.2.
Variant type: single nucleotide variant.
Coding change: c.1012A>G on transcript NM_005359.6 (MANE Select); coding-DNA position 1012, A replaced by G.
Protein change: p.Thr338Ala; replaces threonine 338 with alanine.
Molecular consequence: missense variant. On other transcripts: non-coding transcript variant (2).
Genome position (GRCh38, 1-based): chr18:51,065,479, A>G. VCF-style: chr18-51065479-A-G. GRCh37 (hg19) VCF-style: chr18-48591849-A-G.
Other names: c.1012A>G, p.Thr338Ala (NM_001407041.1, NM_001407042.1, NM_001407043.1); short protein forms T338A.
Identifiers: ClinVar variation 2501914 (VCV002501914.1), dbSNP rs2144446754, ClinGen allele CA402464203.

ClinVar aggregate classification (germline): Uncertain significance (1 of 4 stars; one submission).

Submission:

GeneDx
Classification: Uncertain significance. Last evaluated: 2022-11-11. Review status: criteria provided, single submitter. Criteria: GeneDx Variant Classification Process June 2021. Collection method: clinical testing. Allele origin: germline. Affected: yes.
Comment: Not observed at significant frequency in large population cohorts (gnomAD); In silico analysis supports that this missense variant has a deleterious effect on protein structure/function; Has not been previously reported as a pathogenic or benign germline variant to our knowledge; This variant is associated with the following publications: (PMID: 17873119, 18823382, 15235019, 28199989)